The following is an entry in ClinVar:

NM_014112.5(TRPS1):c.1176dup (p.Asn393Ter)

Gene: TRPS1 (transcriptional repressor GATA binding 1; minus strand). Cytogenetic location: 8q23.3.
Variant type: Duplication.
Coding change: c.1176dup on transcript NM_014112.5 (MANE Select); coding-DNA position 1176, one base duplicated (T; older notation c.1176dupT).
Protein change: p.Asn393Ter; replaces asparagine 393 with a stop codon.
Molecular consequence: nonsense.
Genome position (GRCh38, 1-based): chr8:115,604,793, A duplicated on the plus strand (T on the coding strand, the reverse complement: TRPS1 is on the minus strand). VCF-style (leftmost placement, unchanged base first): chr8-115604792-T-TA. GRCh37 (hg19) VCF-style: chr8-116617019-T-TA.
Other names: c.1149dup, p.Asn384Ter (NM_001282902.3); c.1155dup, p.Asn386Ter (NM_001282903.3); c.1137dup, p.Asn380Ter (NM_001330599.2); short protein forms N384*, N380*, N386*, N393*.
Identifiers: ClinVar variation 438449 (VCV000438449.9), dbSNP rs1554596328, ClinGen allele CA645509423.

ClinVar aggregate classification (germline): Pathogenic. Review status: criteria provided, multiple submitters, no conflicts (2 of 4 stars). 3 submissions from 3 submitters: Pathogenic (2). 1 of the submissions does not count toward it. Last evaluated 2024-03-03.

Conditions:
Trichorhinophalangeal syndrome, type III (TRPS3). Also called: SUGIO-KAJII SYNDROME. Identifiers: Orphanet 77258, MedGen C1860823, OMIM 190351, MONDO:0008597.
Trichorhinophalangeal dysplasia type I (TRPS1). Also called: TRPS I; TRICHORHINOPHALANGEAL SYNDROME, TYPE I. Identifiers: Orphanet 77258, MedGen C0432233, MONDO:0008596, OMIM 190350.

Submissions (3):

Labcorp Genetics (formerly Invitae), Labcorp
Classification: Pathogenic for Trichorhinophalangeal syndrome, type III; Trichorhinophalangeal dysplasia type I. Last evaluated: 2024-03-03. Review status: criteria provided, single submitter. Criteria: Invitae Variant Classification Sherloc (09022015). Collection method: clinical testing. Allele origin: germline.
Comment: This sequence change creates a premature translational stop signal (p.Asn393*) in the TRPS1 gene. It is expected to result in an absent or disrupted protein product. Loss-of-function variants in TRPS1 are known to be pathogenic (PMID: 11112658). This variant is not present in population databases (gnomAD no frequency). This premature translational stop signal has been observed in individual(s) with trichorhinophalangeal syndrome (PMID: 11112658, 25792522). This variant is also known as 1137–1138insT. ClinVar contains an entry for this variant (Variation ID: 438449). For these reasons, this variant has been classified as Pathogenic.

GeneDx
Classification: Pathogenic. Last evaluated: 2018-09-04. Review status: criteria provided, single submitter. Criteria: GeneDx Variant Classification (06012015). Collection method: clinical testing. Allele origin: germline. Affected: yes.
Comment: The c.1176dupT variant in the TRPS1 gene has been reported previously in (as c.1137_1138insT due to alternate nomenclature) in two families with trichorhinophalangeal syndrome (Ludecke et al., 2001). The c.1176dupT variant results in the replacement of the normal codon, Asparagine 393, with a Stop codon, denoted p.Asn393Ter. This variant is predicted to cause loss of normal protein function either through protein truncation or nonsense-mediated mRNA decay. The c.1176dupT variant is not observed in large population cohorts (Lek et al., 2016). We interpret c.1176dupT as a pathogenic variant.

GeneReviews
No classification provided. Condition: Trichorhinophalangeal dysplasia type I. Review status: no classification provided. Collection method: literature only. Allele origin: germline. Not counted in ClinVar's aggregate classification.

Literature cited by the submitters: PubMed 11112658 (cited by Labcorp Genetics (formerly Invitae), Labcorp); PubMed 25792522 (cited by Labcorp Genetics (formerly Invitae), Labcorp and GeneReviews); NCBI Bookshelf NBK425926 (cited by GeneReviews).